The following is an entry in ClinVar:

NM_000179.3(MSH6):c.1579C>T (p.Leu527=)

Gene: MSH6 (mutS homolog 6; plus strand). Cytogenetic location: 2p16.3.
Variant type: single nucleotide variant.
Coding change: c.1579C>T on transcript NM_000179.3 (MANE Select); coding-DNA position 1579, C replaced by T.
Protein change: p.Leu527=; no amino-acid change (leucine 527 retained).
Molecular consequence: synonymous variant.
Genome position (GRCh38, 1-based): chr2:47,799,562, C>T. VCF-style: chr2-47799562-C-T. GRCh37 (hg19) VCF-style: chr2-48026701-C-T.
Other names: c.1189C>T, p.Leu397= (NM_001281492.2); c.673C>T, p.Leu225= (NM_001281493.2, NM_001281494.2).
Identifiers: ClinVar variation 479938 (VCV000479938.15), dbSNP rs1553412969, ClinGen allele CA426121371.

ClinVar aggregate classification (germline): Benign/Likely benign. Review status: criteria provided, multiple submitters, no conflicts (2 of 4 stars). 3 submissions from 3 submitters: Benign (1); Likely benign (2). Last evaluated 2025-03-04.

Conditions:
Hereditary nonpolyposis colorectal neoplasms. Identifiers: MedGen C0009405, MeSH D003123.
Lynch syndrome 5 (LYNCH5). Also called: Colorectal cancer, hereditary nonpolyposis, type 5; Hereditary non-polyposis colorectal cancer, type 5. Identifiers: Orphanet 144, MedGen C1833477, MONDO:0013710, OMIM 614350. Disease mechanism: loss of function.
Hereditary cancer-predisposing syndrome. Also called: Hereditary Cancer Syndrome; Neoplastic Syndromes, Hereditary; Tumor predisposition; Hereditary neoplastic syndrome. Identifiers: Orphanet 140162, MedGen C0027672, MeSH D009386, MONDO:0015356.

Allele frequency attached by ClinVar (database versions not stated): TOPMed below 0.00001; gnomAD 0.00001.
gnomAD v4.1: 1 of 1,613,988 alleles (0.000062%); highest among the groups gnomAD compares: Non-Finnish European, 0.000085%; no homozygotes.

Submissions (3):

Labcorp Genetics (formerly Invitae), Labcorp
Classification: Likely benign for Hereditary nonpolyposis colorectal neoplasms. Last evaluated: 2025-03-04. Review status: criteria provided, single submitter. Criteria: Invitae Variant Classification Sherloc (09022015). Collection method: clinical testing. Allele origin: germline.

Myriad Genetics, Inc.
Classification: Benign for Lynch syndrome 5. Last evaluated: 2024-12-27. Review status: criteria provided, single submitter. Criteria: Myriad Autosomal Dominant, Autosomal Recessive and X-Linked Classification Criteria (2023). Collection method: clinical testing. Allele origin: unknown.
Comment: This variant is considered benign. This variant is a silent/synonymous amino acid change and it is not expected to impact splicing.

Ambry Genetics
Classification: Likely benign for Hereditary cancer-predisposing syndrome. Last evaluated: 2016-11-19. Review status: criteria provided, single submitter. Criteria: Ambry Variant Classification Scheme 2023. Collection method: clinical testing. Allele origin: germline.